The following is an entry in ClinVar:

NM_005045.4(RELN):c.4924A>G (p.Thr1642Ala)

Gene: RELN (reelin; minus strand). Cytogenetic location: 7q22.1.
Variant type: single nucleotide variant.
Coding change: c.4924A>G on transcript NM_005045.4 (MANE Select); coding-DNA position 4924, A replaced by G.
Protein change: p.Thr1642Ala; replaces threonine 1642 with alanine.
Molecular consequence: missense variant.
Genome position (GRCh38, 1-based): chr7:103,566,236, T>C on the plus strand (A>G on the coding strand, the complement: RELN is on the minus strand). VCF-style: chr7-103566236-T-C. GRCh37 (hg19) VCF-style: chr7-103206683-T-C.
Other names: p.Thr1642Ala; c.4924A>G, p.Thr1642Ala (NM_173054.3); short protein forms T1642A.
Identifiers: ClinVar variation 2528699 (VCV002528699.3), dbSNP rs2484743036, ClinGen allele CA368747620.

ClinVar aggregate classification (germline): Uncertain significance. Review status: criteria provided, multiple submitters, no conflicts (2 of 4 stars). 2 submissions from 2 submitters: Uncertain significance (2). Last evaluated 2025-03-18.

Conditions:
Inborn genetic diseases. Identifiers: MedGen C0950123, MeSH D030342.

Allele frequency attached by ClinVar (database versions not stated): gnomAD exomes below 0.00001.
gnomAD v4.1: 3 of 1,612,610 alleles (0.00019%); highest among the groups gnomAD compares: Non-Finnish European, 0.00025%; no homozygotes.

Submissions (2):

Mayo Clinic Laboratories, Mayo Clinic
Classification: Uncertain significance. Last evaluated: 2025-03-18. Review status: criteria provided, single submitter. Criteria: ACMG Guidelines, 2015. Collection method: clinical testing. Allele origin: germline. Observed: 1 variant allele.
Comment: BP4_moderate, PM2_supporting

Ambry Genetics
Classification: Uncertain significance for Inborn genetic diseases. Last evaluated: 2023-03-23. Review status: criteria provided, single submitter. Criteria: Ambry Variant Classification Scheme 2023. Collection method: clinical testing. Allele origin: germline.